The following is an entry in ClinVar:

NM_021971.4(GMPPB):c.116A>G (p.Glu39Gly)

Gene: GMPPB (GDP-mannose pyrophosphorylase B; minus strand). Cytogenetic location: 3p21.31.
Variant type: single nucleotide variant.
Coding change: c.116A>G on transcript NM_021971.4 (MANE Select); coding-DNA position 116, A replaced by G.
Protein change: p.Glu39Gly; replaces glutamic acid 39 with glycine.
Molecular consequence: missense variant.
Genome position (GRCh38, 1-based): chr3:49,723,611, T>C on the plus strand (A>G on the coding strand, the complement: GMPPB is on the minus strand). VCF-style: chr3-49723611-T-C. GRCh37 (hg19) VCF-style: chr3-49761044-T-C.
Other names: c.116A>G, p.Glu39Gly (NM_013334.4); short protein forms E39G.
Identifiers: ClinVar variation 646328 (VCV000646328.6), dbSNP rs1575297274, ClinGen allele CA352831298.

ClinVar aggregate classification (germline): Uncertain significance (1 of 4 stars; one submission).

Conditions:
Muscular dystrophy-dystroglycanopathy (congenital with brain and eye anomalies), type A14. Also called: Congenital Muscular Dystrophy-Dystroglycanopathy with Brain and Eye Anomalies Type A 14; Congenital muscular dystrophy-dystroglycanopathy with brain and eye anomalies, type A14; Muscular dystrophy-dystroglycanopathy (congenital with brain and eye anomalies), type a, 14; WALKER-WARBURG SYNDROME OR MUSCLE-EYE-BRAIN DISEASE, GMPPB-RELATED. Identifiers: Orphanet 588, MedGen C3809216, MONDO:0014140, OMIM 615350.
Muscular dystrophy-dystroglycanopathy (congenital with impaired intellectual development), type B, 14. Also called: Congenital muscular dystrophy-dystroglycanopathy with mental retardation, type B14; MUSCULAR DYSTROPHY, CONGENITAL, GMPPB-RELATED; Muscular dystrophy-dystroglycanopathy (congenital with intellectual disability), type B14. Identifiers: MedGen C3809221, MONDO:0014141, OMIM 615351.
Autosomal recessive limb-girdle muscular dystrophy type 2T. Also called: Limb-girdle muscular dystrophy-dystroglycanopathy, type C14; MUSCULAR DYSTROPHY-DYSTROGLYCANOPATHY, LIMB-GIRDLE, GMPPB-RELATED; MUSCULAR DYSTROPHY, LIMB-GIRDLE, TYPE 2T; Muscular dystrophy-dystroglycanopathy (limb-girdle), type c, 14. Identifiers: Orphanet 363623, MedGen C4518000, MONDO:0014142, OMIM 615352.

Submission:

Labcorp Genetics (formerly Invitae), Labcorp
Classification: Uncertain significance for Autosomal recessive limb-girdle muscular dystrophy type 2T; Muscular dystrophy-dystroglycanopathy (congenital with brain and eye anomalies), type A14; Muscular dystrophy-dystroglycanopathy (congenital with impaired intellectual development), type B, 14. Last evaluated: 2023-01-13. Review status: criteria provided, single submitter. Criteria: Invitae Variant Classification Sherloc (09022015). Collection method: clinical testing. Allele origin: germline.
Comment: In summary, the available evidence is currently insufficient to determine the role of this variant in disease. Therefore, it has been classified as a Variant of Uncertain Significance. Advanced modeling of protein sequence and biophysical properties (such as structural, functional, and spatial information, amino acid conservation, physicochemical variation, residue mobility, and thermodynamic stability) performed at Invitae indicates that this missense variant is expected to disrupt GMPPB protein function. ClinVar contains an entry for this variant (Variation ID: 646328). This variant has not been reported in the literature in individuals affected with GMPPB-related conditions. This variant is not present in population databases (gnomAD no frequency). This sequence change replaces glutamic acid, which is acidic and polar, with glycine, which is neutral and non-polar, at codon 39 of the GMPPB protein (p.Glu39Gly).